The following is an entry in ClinVar:

NM_005189.3(CBX2):c.751A>T (p.Ser251Cys)

Gene: CBX2 (chromobox 2; plus strand). Cytogenetic location: 17q25.3.
Variant type: single nucleotide variant.
Coding change: c.751A>T on transcript NM_005189.3 (MANE Select); coding-DNA position 751, A replaced by T.
Protein change: p.Ser251Cys; replaces serine 251 with cysteine.
Molecular consequence: missense variant.
Genome position (GRCh38, 1-based): chr17:79,784,194, A>T. VCF-style: chr17-79784194-A-T. GRCh37 (hg19) VCF-style: chr17-77757993-A-T.
Other names: short protein forms S251C.
Identifiers: ClinVar variation 2961945 (VCV002961945.3), dbSNP rs781899062, ClinGen allele CA401333723.

ClinVar aggregate classification (germline): Uncertain significance (1 of 4 stars; one submission).

Allele frequency attached by ClinVar (database versions not stated): gnomAD 0.00001; TOPMed 0.00001.
gnomAD v4.1: 12 of 1,612,612 alleles (0.00074%); highest among the groups gnomAD compares: African/African-American, 0.0013%; no homozygotes.

Submission:

Labcorp Genetics (formerly Invitae), Labcorp
Classification: Uncertain significance. Last evaluated: 2023-05-09. Review status: criteria provided, single submitter. Criteria: Invitae Variant Classification Sherloc (09022015). Collection method: clinical testing. Allele origin: germline.
Comment: In summary, the available evidence is currently insufficient to determine the role of this variant in disease. Therefore, it has been classified as a Variant of Uncertain Significance. Advanced modeling of protein sequence and biophysical properties (such as structural, functional, and spatial information, amino acid conservation, physicochemical variation, residue mobility, and thermodynamic stability) performed at Invitae indicates that this missense variant is expected to disrupt CBX2 protein function. This variant has not been reported in the literature in individuals affected with CBX2-related conditions. This variant is present in population databases (no rsID available, gnomAD 0.002%). This sequence change replaces serine, which is neutral and polar, with cysteine, which is neutral and slightly polar, at codon 251 of the CBX2 protein (p.Ser251Cys).